The following is an entry in ClinVar:

NM_000222.3(KIT):c.761_765del (p.Lys254fs)

Gene: KIT (KIT proto-oncogene, receptor tyrosine kinase; plus strand). Cytogenetic location: 4q12.
Variant type: Deletion.
Coding change: c.761_765del on transcript NM_000222.3 (MANE Select); coding-DNA positions 761 to 765, 5 bases deleted (AACTA; older notation c.761_765delAACTA).
Protein change: p.Lys254fs; shifts the reading frame from lysine 254.
Molecular consequence: frameshift variant.
Genome position (GRCh38, 1-based): chr4:54,703,728-54,703,732, AACTA deleted; deleting any 5 consecutive bases within chr4:54,703,724-54,703,732 gives the same sequence; the c. name uses the placement nearest the transcript's 3' end. VCF-style (leftmost placement, unchanged base first): chr4-54703723-GACTAA-G. GRCh37 (hg19) VCF-style: chr4-55569889-GACTAA-G.
Other names: c.761_765del, p.Lys254fs (NM_001093772.2, NM_001385285.1, NM_001385286.1); c.764_768del, p.Lys255fs (NM_001385284.1, NM_001385288.1, NM_001385290.1 and 1 more transcripts); short protein forms K254fs, K255fs.
Identifiers: ClinVar variation 2033857 (VCV002033857.4), dbSNP rs2475469093, ClinGen allele CA2580071117.
Genomic context (GRCh38, chr4:54,703,723, plus strand): 5'-ATTCTGAATATAAATTATATGGTAATCTTCATTTTTTTTTCTCCTTTTCTGAAACCAGCA[GACTAA>G]ACTACAGGAGAAATATAATAGCTGGCATCACGGTGACTTCAATTATGAACGTCAGGCAAC-3'

ClinVar aggregate classification (germline): Pathogenic (1 of 4 stars; one submission).

Conditions:
Gastrointestinal stromal tumor. Also called: Gastrointestinal stroma tumor; Gastrointestinal stromal tumor, somatic. Identifiers: Orphanet 44890, MedGen C0238198, MeSH D046152, MONDO:0011719, OMIM 606764, HP:0100723.

Submission:

Labcorp Genetics (formerly Invitae), Labcorp
Classification: Pathogenic for Gastrointestinal stromal tumor. Last evaluated: 2022-10-03. Review status: criteria provided, single submitter. Criteria: Invitae Variant Classification Sherloc (09022015). Collection method: clinical testing. Allele origin: germline.
Comment: For these reasons, this variant has been classified as Pathogenic. Algorithms developed to predict the effect of sequence changes on RNA splicing suggest that this variant may disrupt the consensus splice site. This variant has not been reported in the literature in individuals affected with KIT-related conditions. This variant is not present in population databases (gnomAD no frequency). This sequence change creates a premature translational stop signal (p.Lys254Thrfs*5) in the KIT gene. It is expected to result in an absent or disrupted protein product. Loss-of-function variants in KIT are known to be pathogenic (PMID: 15194144).

Literature cited by the submitters: PubMed 15194144.